The following is an entry in ClinVar:

NM_001278512.2(AP3B2):c.1728C>T (p.Arg576=)

Genes: CPEB1-AS1 (CPEB1 antisense RNA 1; plus strand), AP3B2 (adaptor related protein complex 3 subunit beta 2; minus strand). Cytogenetic location: 15q25.2.
Variant type: single nucleotide variant.
Coding change: c.1728C>T on transcript NM_001278512.2 (MANE Select); coding-DNA position 1728, C replaced by T.
Protein change: p.Arg576=; no amino-acid change (arginine 576 retained).
Molecular consequence: synonymous variant.
Genome position (GRCh38, 1-based): chr15:82,666,871, G>A on the plus strand (C>T on the coding strand, the complement: AP3B2 is on the minus strand). VCF-style: chr15-82666871-G-A. GRCh37 (hg19) VCF-style: chr15-83335623-G-A.
Other names: c.1632C>T, p.Arg544= (NM_001278511.2); c.1728C>T, p.Arg576= (NM_004644.5); c.1728C>T (NM_004644.4).
Identifiers: ClinVar variation 1546961 (VCV001546961.12), dbSNP rs34585442, ClinGen allele CA7700128.
Genomic context (GRCh38, chr15:82,666,871, plus strand): 5'-GCTGAGGGCCCCACCCTGCTCGGAAGGGACGATGAGCTGCCGGGTGAAGCGCGCCCGGTC[G>A]CGAATATCATAGTTCTGGTCATATTTGGCCAGACTCAGCACATACTGGGTCAGCAGCTTG-3'
Protein context (NP_001265441.1, residues 566-586): LAKYDQNYDI[Arg576=]DRARFTRQLI

ClinVar aggregate classification (germline): Likely benign. Review status: criteria provided, multiple submitters, no conflicts (2 of 4 stars). 4 submissions from 4 submitters: Likely benign (2). 2 of the submissions do not count toward it. Last evaluated 2025-11-12.

Conditions:
AP3B2-related disorder. Also called: AP3B2-related condition.
EBV-positive nodal T- and NK-cell lymphoma.

Allele frequency attached by ClinVar (database versions not stated): gnomAD exomes 0.00006 and 0.00012; ExAC 0.00018; gnomAD 0.00039 and 0.00043; 1000 Genomes Project 0.00040; 1000 Genomes Project 30x 0.00047; ESP Exome Variant Server 0.00049; TOPMed 0.00050.
gnomAD v4.1: 149 of 1,613,992 alleles (0.0092%); highest among the groups gnomAD compares: African/African-American, 0.12%; no homozygotes.

Submissions (4):

Labcorp Genetics (formerly Invitae), Labcorp
Classification: Likely benign. Last evaluated: 2025-11-12. Review status: criteria provided, single submitter. Criteria: Invitae Variant Classification Sherloc (09022015). Collection method: clinical testing. Allele origin: germline.

Women's Health and Genetics/Laboratory Corporation of America, LabCorp
Classification: Likely benign. Last evaluated: 2024-07-05. Review status: criteria provided, single submitter. Criteria: LabCorp Variant Classification Summary - May 2015. Collection method: clinical testing. Allele origin: germline.

PreventionGenetics, part of Exact Sciences
Classification: Likely benign for AP3B2-related condition. Last evaluated: 2019-04-11. Review status: no assertion criteria provided. Collection method: clinical testing. Allele origin: germline. Not counted in ClinVar's aggregate classification.
Comment: This variant is classified as likely benign based on ACMG/AMP sequence variant interpretation guidelines (Richards et al. 2015 PMID: 25741868, with internal and published modifications).

Department of Clinical Pathology, School of Medicine, Fujita Health University
Classification: Likely benign for EBV-positive nodal T- and NK-cell lymphoma. Review status: no assertion criteria provided. Collection method: research. Allele origin: unknown. Affected: yes. Not counted in ClinVar's aggregate classification.